The following is an entry in ClinVar:

NM_139343.3(BIN1):c.1347G>C (p.Gln449His)

Gene: BIN1 (bridging integrator 1; minus strand). Cytogenetic location: 2q14.3.
Variant type: single nucleotide variant.
Coding change: c.1347G>C on transcript NM_139343.3 (MANE Select); coding-DNA position 1347, G replaced by C.
Protein change: p.Gln449His; replaces glutamine 449 with histidine.
Molecular consequence: missense variant. On other transcripts: intron variant (9).
Genome position (GRCh38, 1-based): chr2:127,052,279, C>G on the plus strand (G>C on the coding strand, the complement: BIN1 is on the minus strand). VCF-style: chr2-127052279-C-G. GRCh37 (hg19) VCF-style: chr2-127809855-C-G.
Other names: c.910-1367G>C (NM_139351.3); c.910-1036G>C (NM_139350.3); c.1039-1036G>C (NM_139348.3); c.955-1367G>C (NM_001320632.2); c.955-1036G>C (NM_004305.4); c.1084-1036G>C (NM_139346.3); c.1003-1036G>C (NM_001320633.2); c.1132-1036G>C (NM_001320640.2); and 7 more; short protein forms Q331H, Q422H, Q418H, Q449H, Q362H, Q374H, Q406H.
Identifiers: ClinVar variation 4780147 (VCV004780147.1).

ClinVar aggregate classification (germline): Uncertain significance (1 of 4 stars; one submission).

Conditions:
Myopathy, centronuclear, 2 (CNM2). Also called: MYOTUBULAR MYOPATHY, AUTOSOMAL RECESSIVE. Identifiers: Orphanet 169186, MedGen CN031787, MONDO:0009709, OMIM 255200.

Submission:

Labcorp Genetics (formerly Invitae), Labcorp
Classification: Uncertain significance for Myopathy, centronuclear, 2. Last evaluated: 2025-06-19. Review status: criteria provided, single submitter. Criteria: Invitae Variant Classification Sherloc (09022015). Collection method: clinical testing. Allele origin: germline.
Comment: This sequence change replaces glutamine, which is neutral and polar, with histidine, which is basic and polar, at codon 449 of the BIN1 protein (p.Gln449His). This variant is not present in population databases (gnomAD no frequency). This variant has not been reported in the literature in individuals affected with BIN1-related conditions. An algorithm developed to predict the effect of missense changes on protein structure and function (PolyPhen-2) suggests that this variant is likely to be tolerated. In summary, the available evidence is currently insufficient to determine the role of this variant in disease. Therefore, it has been classified as a Variant of Uncertain Significance.